The following is an entry in ClinVar:

NM_021167.5(GATAD1):c.637C>G (p.Pro213Ala)

Gene: GATAD1 (GATA zinc finger domain containing 1; plus strand). Cytogenetic location: 7q21.2.
Variant type: single nucleotide variant.
Coding change: c.637C>G on transcript NM_021167.5 (MANE Select); coding-DNA position 637, C replaced by G.
Protein change: p.Pro213Ala; replaces proline 213 with alanine.
Molecular consequence: missense variant. On other transcripts: non-coding transcript variant (1).
Genome position (GRCh38, 1-based): chr7:92,456,389, C>G. VCF-style: chr7-92456389-C-G. GRCh37 (hg19) VCF-style: chr7-92085703-C-G.
Other names: short protein forms P213A.
Identifiers: ClinVar variation 3853060 (VCV003853060.1).
Genomic context (GRCh38, chr7:92,456,389, plus strand): 5'-ATGGTCAAAAATGTATTTAACCTTTCCCTTGGCTGCCTTCCAGGGCCAGAGGAAGATCTT[C>G]CAAGGAAGATGGAATACTTGGAATTTGTTTGTCATGCACCTTCTGAGTATTTCAAGTCAC-3'
Protein context (NP_066990.3, residues 203-223): SYIIGPEEDL[Pro213Ala]RKMEYLEFVC

ClinVar aggregate classification (germline): Uncertain significance (1 of 4 stars; one submission).

Conditions:
Cardiovascular phenotype. Identifiers: MedGen CN230736.

Submission:

Ambry Genetics
Classification: Uncertain significance for Cardiovascular phenotype. Last evaluated: 2025-03-02. Review status: criteria provided, single submitter. Criteria: Ambry Variant Classification Scheme 2023. Collection method: clinical testing. Allele origin: germline.
Comment: The p.P213A variant (also known as c.637C>G), located in coding exon 5 of the GATAD1 gene, results from a C to G substitution at nucleotide position 637. The proline at codon 213 is replaced by alanine, an amino acid with highly similar properties. This amino acid position is conserved. In addition, this alteration is predicted to be deleterious by in silico analysis. Based on the available evidence, the clinical significance of this variant remains unclear.